The following is an entry in ClinVar:

ClinVar aggregate classification (germline): Uncertain significance. Review status: criteria provided, multiple submitters, no conflicts (2 of 4 stars). 9 submissions from 9 submitters: Uncertain significance (9). Last evaluated 2026-04-20.

Conditions:
Inborn genetic diseases. Identifiers: MedGen C0950123, MeSH D030342.
Cenani-Lenz syndactyly syndrome. Also called: CENANI SYNDACTYLISM; SYNDACTYLY, TYPE VII. Identifiers: Orphanet 3258, MedGen C1859309, MONDO:0008931, OMIM 212780.
Congenital myasthenic syndrome 17. Identifiers: Orphanet 590, MedGen C4225377, MONDO:0014578, OMIM 616304.
Sclerosteosis 2 (SOST2). Identifiers: Orphanet 3152, MedGen C3280402, MONDO:0013679, OMIM 614305.
LRP4-related disorder. Also called: LRP4-related condition.

Allele frequency attached by ClinVar (database versions not stated): ExAC 0.00017; gnomAD 0.00020 and 0.00024; gnomAD exomes 0.00021 and 0.00062; TOPMed 0.00024; ESP Exome Variant Server 0.00062.

Submissions (9):

PreventionGenetics, part of Exact Sciences
Classification: Uncertain significance for LRP4-related condition. Last evaluated: 2026-04-20. Review status: criteria provided, single submitter. Criteria: ACMG Guidelines, 2015. Collection method: clinical testing. Allele origin: germline.
Comment: The LRP4 c.1130A>G variant is predicted to result in the amino acid substitution p.Gln377Arg. To our knowledge, this variant has not been reported in the literature. This variant is reported in 0.040% of alleles in individuals of European (non-Finnish) descent in gnomAD. At this time, the clinical significance of this variant is uncertain due to the absence of conclusive functional and genetic evidence.

GeneDx
Classification: Uncertain significance. Last evaluated: 2025-12-29. Review status: criteria provided, single submitter. Criteria: GeneDx Variant Classification Process June 2021. Collection method: clinical testing. Allele origin: germline.
Comment: In silico analysis suggests that this missense variant does not alter protein structure/function; Has not been previously published as pathogenic or benign to our knowledge

Blueprint Genetics
Classification: Uncertain significance. Last evaluated: 2024-07-08. Review status: criteria provided, single submitter. Criteria: ACMG Guidelines, 2015. Collection method: clinical testing. Allele origin: germline.

Fulgent Genetics
Classification: Uncertain significance for Cenani-Lenz syndactyly syndrome; Sclerosteosis 2; Congenital myasthenic syndrome 17. Last evaluated: 2024-02-19. Review status: criteria provided, single submitter. Criteria: ACMG Guidelines, 2015. Collection method: clinical testing. Allele origin: germline.

Revvity Omics, Revvity
Classification: Uncertain significance. Last evaluated: 2023-05-26. Review status: criteria provided, single submitter. Criteria: ACMG Guidelines, 2015. Collection method: clinical testing. Allele origin: germline.

Department of Pathology and Laboratory Medicine, Sinai Health System
Classification: Uncertain significance for Cenani-Lenz syndactyly syndrome; Sclerosteosis 2; Congenital myasthenic syndrome 17. Last evaluated: 2022-12-20. Review status: criteria provided, single submitter. Criteria: ACMG Guidelines, 2015. Collection method: research. Allele origin: germline.

Labcorp Genetics (formerly Invitae), Labcorp
Classification: Uncertain significance for Cenani-Lenz syndactyly syndrome; Sclerosteosis 2; Congenital myasthenic syndrome 17. Last evaluated: 2022-10-25. Review status: criteria provided, single submitter. Criteria: Invitae Variant Classification Sherloc (09022015). Collection method: clinical testing. Allele origin: germline.
Comment: This sequence change replaces glutamine, which is neutral and polar, with arginine, which is basic and polar, at codon 377 of the LRP4 protein (p.Gln377Arg). This variant is present in population databases (rs139006210, gnomAD 0.04%). This variant has not been reported in the literature in individuals affected with LRP4-related conditions. ClinVar contains an entry for this variant (Variation ID: 535798). Algorithms developed to predict the effect of missense changes on protein structure and function are either unavailable or do not agree on the potential impact of this missense change (SIFT: "Deleterious"; PolyPhen-2: "Benign"; Align-GVGD: "Class C0"). In summary, the available evidence is currently insufficient to determine the role of this variant in disease. Therefore, it has been classified as a Variant of Uncertain Significance.

Ambry Genetics
Classification: Uncertain significance for Inborn genetic diseases. Last evaluated: 2021-07-26. Review status: criteria provided, single submitter. Criteria: Ambry Variant Classification Scheme 2023. Collection method: clinical testing. Allele origin: germline.

Illumina Laboratory Services, Illumina
Classification: Uncertain significance for Cenani-Lenz syndactyly syndrome. Last evaluated: 2017-04-27. Review status: criteria provided, single submitter. Criteria: ICSL Variant Classification Criteria 13 December 2019. Collection method: clinical testing. Allele origin: germline.

NM_002334.4(LRP4):c.1130A>G (p.Gln377Arg)

Gene: LRP4 (LDL receptor related protein 4; minus strand). Cytogenetic location: 11p11.2.
Variant type: single nucleotide variant.
Coding change: c.1130A>G on transcript NM_002334.4 (MANE Select); coding-DNA position 1130, A replaced by G.
Protein change: p.Gln377Arg; replaces glutamine 377 with arginine.
Molecular consequence: missense variant.
Genome position (GRCh38, 1-based): chr11:46,895,937, T>C on the plus strand (A>G on the coding strand, the complement: LRP4 is on the minus strand). VCF-style: chr11-46895937-T-C. GRCh37 (hg19) VCF-style: chr11-46917488-T-C.
Other names: short protein forms Q377R.
Identifiers: ClinVar variation 535798 (VCV000535798.20), dbSNP rs139006210, ClinGen allele CA5970257.